The following is an entry in ClinVar:

ClinVar aggregate classification (germline): Uncertain significance (1 of 4 stars; one submission).

Submission:

Labcorp Genetics (formerly Invitae), Labcorp
Classification: Uncertain significance. Last evaluated: 2024-08-05. Review status: criteria provided, single submitter. Criteria: Invitae Variant Classification Sherloc (09022015). Collection method: clinical testing. Allele origin: germline.
Comment: This sequence change replaces alanine, which is neutral and non-polar, with valine, which is neutral and non-polar, at codon 425 of the RELA protein (p.Ala425Val). This variant is not present in population databases (gnomAD no frequency). This variant has not been reported in the literature in individuals affected with RELA-related conditions. An algorithm developed to predict the effect of missense changes on protein structure and function outputs the following: PolyPhen-2: "Benign". The valine amino acid residue is found in multiple mammalian species, which suggests that this missense change does not adversely affect protein function. In summary, the available evidence is currently insufficient to determine the role of this variant in disease. Therefore, it has been classified as a Variant of Uncertain Significance.

NM_021975.4(RELA):c.1274C>T (p.Ala425Val)

Gene: RELA (RELA proto-oncogene, NF-kB subunit; minus strand). Cytogenetic location: 11q13.1.
Variant type: single nucleotide variant.
Coding change: c.1274C>T on transcript NM_021975.4 (MANE Select); coding-DNA position 1274, C replaced by T.
Protein change: p.Ala425Val; replaces alanine 425 with valine.
Molecular consequence: missense variant. On other transcripts: intron variant (1).
Genome position (GRCh38, 1-based): chr11:65,654,760, G>A on the plus strand (C>T on the coding strand, the complement: RELA is on the minus strand). VCF-style: chr11-65654760-G-A. GRCh37 (hg19) VCF-style: chr11-65422231-G-A.
Other names: c.1265C>T, p.Ala422Val (NM_001145138.2); c.1067C>T, p.Ala356Val (NM_001243984.2); c.1307C>T, p.Ala436Val (NM_001404657.1); c.1247C>T, p.Ala416Val (NM_001404658.1); c.1061C>T, p.Ala354Val (NM_001404659.1); c.956C>T, p.Ala319Val (NM_001404660.1); c.893C>T, p.Ala298Val (NM_001404661.1); c.1181C>T, p.Ala394Val (NM_001404662.1, NM_001404663.1); and 1 more; short protein forms A298V, A354V, A422V, A356V, A394V, A416V, A436V, A319V.
Identifiers: ClinVar variation 2811068 (VCV002811068.3), dbSNP rs2496825935, ClinGen allele CA381387509.